The following is an entry in ClinVar:

NM_001918.5(DBT):c.512C>T (p.Thr171Ile)

Gene: DBT (dihydrolipoamide branched chain transacylase E2; minus strand). Cytogenetic location: 1p21.2.
Variant type: single nucleotide variant.
Coding change: c.512C>T on transcript NM_001918.5 (MANE Select); coding-DNA position 512, C replaced by T.
Protein change: p.Thr171Ile; replaces threonine 171 with isoleucine.
Molecular consequence: missense variant. On other transcripts: 5 prime UTR variant (2), non-coding transcript variant (4).
Genome position (GRCh38, 1-based): chr1:100,218,669, G>A on the plus strand (C>T on the coding strand, the complement: DBT is on the minus strand). VCF-style: chr1-100218669-G-A. GRCh37 (hg19) VCF-style: chr1-100684225-G-A.
Other names: c.-32C>T (NM_001399969.1, NM_001399972.1); short protein forms T171I.
Identifiers: ClinVar variation 1911824 (VCV001911824.5), dbSNP rs925823030, ClinGen allele CA27591972.
Genomic context (GRCh38, chr1:100,218,669, plus strand): 5'-ATATTAAGAGAACTTACATTGTTTTCCATTGCCAGACGGCGAACTGCAGGAGTTGCCAGT[G>A]TTTTTCGGCCCTTTATCTCTTGGTGTGTATGTTCATCATGAGACACTGCAGGAGTTTCAA-3'
Protein context (NP_001909.4, residues 161-181): HTHQEIKGRK[Thr171Ile]LATPAVRRLA

ClinVar aggregate classification (germline): Uncertain significance. Review status: criteria provided, multiple submitters, no conflicts (2 of 4 stars). 4 submissions from 4 submitters: Uncertain significance (4). Last evaluated 2024-04-18.

Conditions:
Inborn genetic diseases. Identifiers: MedGen C0950123, MeSH D030342.
Maple syrup urine disease (MSUD). Identifiers: Orphanet 511, MedGen C0024776, MeSH D008375, MONDO:0009563. Disease mechanism: loss of function.

Allele frequency attached by ClinVar (database versions not stated): gnomAD exomes below 0.00001; gnomAD 0.00003; TOPMed 0.00020.

Submissions (4):

GeneDx
Classification: Uncertain significance. Last evaluated: 2024-04-18. Review status: criteria provided, single submitter. Criteria: GeneDx Variant Classification Process June 2021. Collection method: clinical testing. Allele origin: germline. Affected: yes.
Comment: Not observed at significant frequency in large population cohorts (gnomAD); In silico analysis indicates that this missense variant does not alter protein structure/function; Has not been previously published as pathogenic or benign to our knowledge

Genome-Nilou Lab
Classification: Uncertain significance for Maple syrup urine disease type 1A. Last evaluated: 2023-04-11. Review status: criteria provided, single submitter. Criteria: ACMG Guidelines, 2015. Collection method: clinical testing. Allele origin: germline. Affected: no.

Labcorp Genetics (formerly Invitae), Labcorp
Classification: Uncertain significance for Maple syrup urine disease. Last evaluated: 2022-10-13. Review status: criteria provided, single submitter. Criteria: Invitae Variant Classification Sherloc (09022015). Collection method: clinical testing. Allele origin: germline.
Comment: This sequence change replaces threonine, which is neutral and polar, with isoleucine, which is neutral and non-polar, at codon 171 of the DBT protein (p.Thr171Ile). This variant is present in population databases (no rsID available, gnomAD 0.007%). This variant has not been reported in the literature in individuals affected with DBT-related conditions. Algorithms developed to predict the effect of missense changes on protein structure and function (SIFT, PolyPhen-2, Align-GVGD) all suggest that this variant is likely to be tolerated. In summary, the available evidence is currently insufficient to determine the role of this variant in disease. Therefore, it has been classified as a Variant of Uncertain Significance.

Ambry Genetics
Classification: Uncertain significance for Inborn genetic diseases. Last evaluated: 2021-07-15. Review status: criteria provided, single submitter. Criteria: Ambry Variant Classification Scheme 2023. Collection method: clinical testing. Allele origin: germline.